The following is an entry in ClinVar:

NM_000059.4(BRCA2):c.6937+440C>T

Gene: BRCA2 (BRCA2 DNA repair associated; plus strand). Cytogenetic location: 13q13.1.
Variant type: single nucleotide variant.
Coding change: c.6937+440C>T on transcript NM_000059.4 (MANE Select); 440 bases into the intron after coding-DNA position 6937, C replaced by T.
Molecular consequence: intron variant.
Genome position (GRCh38, 1-based): chr13:32,345,093, C>T. VCF-style: chr13-32345093-C-T. GRCh37 (hg19) VCF-style: chr13-32919230-C-T.
Other names: IVS 12+440C>T.
Identifiers: ClinVar variation 209706 (VCV000209706.5), dbSNP rs11147488, ClinGen allele CA276674.

ClinVar aggregate classification (germline): Benign. Review status: reviewed by expert panel (3 of 4 stars). 4 submissions from 4 submitters: Benign (1). 3 of the submissions do not count toward it. Last evaluated 2015-01-12.

Conditions:
Breast-ovarian cancer, familial, susceptibility to, 2 (BROVCA2). Also called: BRCA2 Hereditary Breast and Ovarian Cancer. Identifiers: Orphanet 145, MedGen C2675520, MONDO:0012933, OMIM 612555. Disease mechanism: loss of function.

Allele frequency attached by ClinVar (database versions not stated): gnomAD 0.03693 and 0.04096; TOPMed 0.04225; 1000 Genomes Project 30x 0.07386; 1000 Genomes Project 0.07388.
gnomAD v4.1: 6,233 of 152,124 alleles (4.1%); highest among the groups gnomAD compares: South Asian, 11%; 218 homozygotes.

Submissions (4):

Evidence-based Network for the Interpretation of Germline Mutant Alleles (ENIGMA)
Classification: Benign for Breast-ovarian cancer, familial 2. Last evaluated: 2015-01-12. Review status: reviewed by expert panel. Criteria: ENIGMA BRCA1/2 Classification Criteria (2015). Collection method: curation. Allele origin: germline.
Comment: Class 1 not pathogenic based on frequency >1% in an outbred sampleset. Frequency 0.1049 (Asian), 0.01423 (African), 0.03562 (European), derived from 1000 genomes (2012-04-30).

GeneDx
Classification: Likely benign. Last evaluated: 2018-07-09. Review status: criteria provided, single submitter. Criteria: GeneDx Variant Classification Process June 2021. Collection method: clinical testing. Allele origin: germline. Affected: yes. Not counted in ClinVar's aggregate classification.

Breakthrough Genomics
Classification: Benign. Review status: criteria provided, single submitter. Criteria: ACMG Guidelines, 2015. Collection method: not provided. Allele origin: germline. Inheritance: Autosomal recessive inheritance. Affected: yes. Not counted in ClinVar's aggregate classification.

PreventionGenetics, part of Exact Sciences
Classification: Benign. Review status: criteria provided, single submitter. Criteria: ACMG Guidelines, 2015. Collection method: clinical testing. Allele origin: germline. Not counted in ClinVar's aggregate classification.